The following is an entry in ClinVar:

NM_000180.4(GUCY2D):c.931C>A (p.Leu311Ile)

Gene: GUCY2D (guanylate cyclase 2D, retinal; plus strand). Cytogenetic location: 17p13.1.
Variant type: single nucleotide variant.
Coding change: c.931C>A on transcript NM_000180.4 (MANE Select); coding-DNA position 931, C replaced by A.
Protein change: p.Leu311Ile; replaces leucine 311 with isoleucine.
Molecular consequence: missense variant.
Genome position (GRCh38, 1-based): chr17:8,004,061, C>A. VCF-style: chr17-8004061-C-A. GRCh37 (hg19) VCF-style: chr17-7907379-C-A.
Other names: short protein forms L311I.
Identifiers: ClinVar variation 2483504 (VCV002483504.5), dbSNP rs1316110664, ClinGen allele CA397946000.
Genomic context (GRCh38, chr17:8,004,061, plus strand): 5'-GCCTTGGCCGCACTCGCCAACAGCTCCCAGCTTCGCAGGGCCCACGATGCCGTGCTCACC[C>A]TCACGCGCCACTGTCCCTCTGAAGGCAGCGTGCTGGACAGCCTGCGCAGGGCTCAAGAGC-3'
Protein context (NP_000171.1, residues 301-321): LRRAHDAVLT[Leu311Ile]TRHCPSEGSV

ClinVar aggregate classification (germline): Uncertain significance. Review status: criteria provided, multiple submitters, no conflicts (2 of 4 stars). 3 submissions from 3 submitters: Uncertain significance (3). Last evaluated 2024-03-20.

Conditions:
Cone-rod dystrophy 6 (CORD6). Also called: Cone dystrophy progressive; RETINAL CONE DYSTROPHY 2. Identifiers: Orphanet 1872, MedGen C1866293, MONDO:0011143, OMIM 601777.
Leber congenital amaurosis 1 (LCA1). Also called: Congenital absence of the rods and cones; Leber's congenital tapetoretinal degeneration; Leber's congenital tapetoretinal dysplasia; AMAUROSIS CONGENITA OF LEBER I; RETINAL BLINDNESS, CONGENITAL. Identifiers: Orphanet 65, MedGen C2931258, MONDO:0008764, OMIM 204000.
Inborn genetic diseases. Identifiers: MedGen C0950123, MeSH D030342.

gnomAD v4.1: 21 of 1,607,936 alleles (0.0013%); highest among the groups gnomAD compares: Non-Finnish European, 0.0017%; no homozygotes.

Submissions (3):

Labcorp Genetics (formerly Invitae), Labcorp
Classification: Uncertain significance for Leber congenital amaurosis 1; Cone-rod dystrophy 6. Last evaluated: 2024-03-20. Review status: criteria provided, single submitter. Criteria: Invitae Variant Classification Sherloc (09022015). Collection method: clinical testing. Allele origin: germline.
Comment: This sequence change replaces leucine, which is neutral and non-polar, with isoleucine, which is neutral and non-polar, at codon 311 of the GUCY2D protein (p.Leu311Ile). This variant is present in population databases (no rsID available, gnomAD 0.01%). This variant has not been reported in the literature in individuals affected with GUCY2D-related conditions. ClinVar contains an entry for this variant (Variation ID: 2483504). Advanced modeling of protein sequence and biophysical properties (such as structural, functional, and spatial information, amino acid conservation, physicochemical variation, residue mobility, and thermodynamic stability) performed at Invitae indicates that this missense variant is not expected to disrupt GUCY2D protein function with a negative predictive value of 80%. In summary, the available evidence is currently insufficient to determine the role of this variant in disease. Therefore, it has been classified as a Variant of Uncertain Significance.

Ambry Genetics
Classification: Uncertain significance for Inborn genetic diseases. Last evaluated: 2023-02-14. Review status: criteria provided, single submitter. Criteria: Ambry Variant Classification Scheme 2023. Collection method: clinical testing. Allele origin: germline.

Blueprint Genetics
Classification: Uncertain significance. Last evaluated: 2022-09-21. Review status: criteria provided, single submitter. Criteria: ACMG Guidelines, 2015. Collection method: clinical testing. Allele origin: germline.